The following is an entry in ClinVar:

NM_000535.7(PMS2):c.457del (p.Arg153fs)

Gene: PMS2 (PMS1 homolog 2, mismatch repair system component; minus strand). Cytogenetic location: 7p22.1.
Variant type: Deletion.
Coding change: c.457del on transcript NM_000535.7 (MANE Select); coding-DNA position 457, one base deleted (A; older notation c.457delA).
Protein change: p.Arg153fs; shifts the reading frame from arginine 153.
Molecular consequence: frameshift variant. On other transcripts: 5 prime UTR variant (2), non-coding transcript variant (1).
Genome position (GRCh38, 1-based): chr7:6,002,533, T deleted on the plus strand (A on the coding strand, the reverse complement: PMS2 is on the minus strand). VCF-style (leftmost placement, unchanged base first): chr7-6002532-CT-C. GRCh37 (hg19) VCF-style: chr7-6042163-CT-C.
Other names: c.52del, p.Arg18fs (NM_001322003.2, NM_001322004.2, NM_001322005.2 and 3 more transcripts); c.457del, p.Arg153fs (NM_001322006.2, NM_001322014.2); c.139del, p.Arg47fs (NM_001322007.2, NM_001322008.2); c.-428del (NM_001322011.2, NM_001322012.2); c.148del, p.Arg50fs (NM_001322015.2); short protein forms R153fs, R18fs, R47fs, R50fs.
Identifiers: ClinVar variation 979074 (VCV000979074.7), dbSNP rs1785207289, ClinGen allele CA1139659965.

ClinVar aggregate classification (germline): Pathogenic/Likely pathogenic. Review status: criteria provided, multiple submitters, no conflicts (2 of 4 stars). 3 submissions from 3 submitters: Pathogenic (1); Likely pathogenic (2). Last evaluated 2024-10-03.

Conditions:
Lynch syndrome 4 (LYNCH4). Also called: Colorectal cancer, hereditary nonpolyposis, type 4; Hereditary non-polyposis colorectal cancer, type 4. Identifiers: Orphanet 144, MedGen C1838333, MONDO:0013699, OMIM 614337. Disease mechanism: loss of function.
Hereditary cancer-predisposing syndrome. Also called: Neoplastic Syndromes, Hereditary; Hereditary Cancer Syndrome; Tumor predisposition; Hereditary neoplastic syndrome. Identifiers: Orphanet 140162, MedGen C0027672, MeSH D009386, MONDO:0015356.

Submissions (3):

Ambry Genetics
Classification: Pathogenic for Hereditary cancer-predisposing syndrome. Last evaluated: 2024-10-03. Review status: criteria provided, single submitter. Criteria: Ambry Variant Classification Scheme 2023. Collection method: clinical testing. Allele origin: germline.
Comment: The c.457delA pathogenic mutation, located in coding exon 5 of the PMS2 gene, results from a deletion of one nucleotide at nucleotide position 457, causing a translational frameshift with a predicted alternate stop codon (p.R153Efs*48). This alteration is expected to result in loss of function by premature protein truncation or nonsense-mediated mRNA decay. As such, this alteration is interpreted as a disease-causing mutation.

Revvity Omics, Revvity
Classification: Likely pathogenic. Last evaluated: 2024-07-17. Review status: criteria provided, single submitter. Criteria: ACMG Guidelines, 2015. Collection method: clinical testing. Allele origin: germline.

Human Genome Sequencing Center Clinical Lab, Baylor College of Medicine
Classification: Likely pathogenic for Hereditary non-polyposis colorectal cancer, type 4. Last evaluated: 2019-08-21. Review status: criteria provided, single submitter. Criteria: ACMG Guidelines, 2015. Collection method: clinical testing. Allele origin: germline.
Comment: The c.457delA (p.Arg153GlufsTer48) variant in exon 5 of the PMS2 gene results in a frameshift and an early stop codon that is predicted to cause nonsense-mediated mRNA decay, a known disease mechanism for this gene. This variant is not observed in the gnomAD population database. Though this variant has not been reported in literature as disease-causing, with currently available data it is classified as likely pathogenic.